The following is an entry in ClinVar:

ClinVar aggregate classification (germline): Benign. Review status: criteria provided, single submitter (1 of 4 stars). 2 submissions from 2 submitters: Benign (1). 1 of the submissions does not count toward it. Last evaluated 2025-10-13.

Conditions:
COL8A2-related disorder. Also called: COL8A2-related condition.

Allele frequency attached by ClinVar (database versions not stated): ESP Exome Variant Server 0.00031; TOPMed 0.00082; gnomAD exomes 0.00156; gnomAD 0.00258; 1000 Genomes Project 0.00379; ExAC 0.00394.
gnomAD v4.1: 2,652 of 1,575,346 alleles (0.17%); highest among the groups gnomAD compares: East Asian, 1.7%; 24 homozygotes.

Submissions (2):

Labcorp Genetics (formerly Invitae), Labcorp
Classification: Benign. Last evaluated: 2025-10-13. Review status: criteria provided, single submitter. Criteria: Invitae Variant Classification Sherloc (09022015). Collection method: clinical testing. Allele origin: germline.

PreventionGenetics, part of Exact Sciences
Classification: Benign for COL8A2-related condition. Last evaluated: 2019-07-12. Review status: no assertion criteria provided. Collection method: clinical testing. Allele origin: germline. Not counted in ClinVar's aggregate classification.
Comment: This variant is classified as benign based on ACMG/AMP sequence variant interpretation guidelines (Richards et al. 2015 PMID: 25741868, with internal and published modifications).

NM_005202.4(COL8A2):c.22C>T (p.Leu8=)

Gene: COL8A2 (collagen type VIII alpha 2 chain; minus strand). Cytogenetic location: 1p34.3.
Variant type: single nucleotide variant.
Coding change: c.22C>T on transcript NM_005202.4 (MANE Select); coding-DNA position 22, C replaced by T.
Protein change: p.Leu8=; no amino-acid change (leucine 8 retained).
Molecular consequence: synonymous variant. On other transcripts: 5 prime UTR variant (1).
Genome position (GRCh38, 1-based): chr1:36,100,221, G>A on the plus strand (C>T on the coding strand, the complement: COL8A2 is on the minus strand). VCF-style: chr1-36100221-G-A. GRCh37 (hg19) VCF-style: chr1-36565822-G-A.
Other names: c.22C>T (NM_005202.3); c.-29C>T (NM_001294347.2).
Identifiers: ClinVar variation 2059234 (VCV002059234.6), dbSNP rs75750458, ClinGen allele CA765210.